The following is an entry in ClinVar:

NM_213649.2(SFXN4):c.538-199T>C

Gene: SFXN4 (sideroflexin 4; minus strand). Cytogenetic location: 10q26.11.
Variant type: single nucleotide variant.
Coding change: c.538-199T>C on transcript NM_213649.2 (MANE Select); 199 bases into the intron before coding-DNA position 538, T replaced by C.
Molecular consequence: intron variant.
Genome position (GRCh38, 1-based): chr10:119,156,955, A>G on the plus strand (T>C on the coding strand, the complement: SFXN4 is on the minus strand). VCF-style: chr10-119156955-A-G. GRCh37 (hg19) VCF-style: chr10-120916467-A-G.
Identifiers: ClinVar variation 667486 (VCV000667486.2), dbSNP rs2297696, ClinGen allele CA13281035.

ClinVar aggregate classification (germline): Benign. Review status: criteria provided, multiple submitters, no conflicts (2 of 4 stars). 2 submissions from 2 submitters: Benign (2). Last evaluated 2018-06-14.

Allele frequency attached by ClinVar (database versions not stated): 1000 Genomes Project 30x 0.26718; 1000 Genomes Project 0.26777; TOPMed 0.27377; gnomAD 0.29612 and 0.29821.
gnomAD v4.1: 45,401 of 151,840 alleles (30%); highest among the groups gnomAD compares: South Asian, 39%; 7,562 homozygotes.

Submissions (2):

GeneDx
Classification: Benign. Last evaluated: 2018-06-14. Review status: criteria provided, single submitter. Criteria: GeneDx Variant Classification (06012015). Collection method: clinical testing. Allele origin: germline. Affected: yes.
Comment: This variant is considered likely benign or benign based on one or more of the following criteria: it is a conservative change, it occurs at a poorly conserved position in the protein, it is predicted to be benign by multiple in silico algorithms, and/or has population frequency not consistent with disease.

Breakthrough Genomics
Classification: Benign. Review status: criteria provided, single submitter. Criteria: ACMG Guidelines, 2015. Collection method: not provided. Allele origin: germline. Inheritance: Autosomal recessive inheritance. Affected: yes.